The following is an entry in ClinVar:

ClinVar aggregate classification (germline): Conflicting classifications of pathogenicity. Review status: criteria provided, conflicting classifications (1 of 4 stars). 3 submissions from 3 submitters: Uncertain significance (1); Likely benign (2). Last evaluated 2024-08-05.

Allele frequency attached by ClinVar (database versions not stated): gnomAD 0.00012; TOPMed 0.00012; 1000 Genomes Project 30x 0.00016; ExAC 0.00009; gnomAD exomes 0.00009 and 0.00024; ESP Exome Variant Server 0.00023.
gnomAD v4.1: 365 of 1,611,104 alleles (0.023%); highest among the groups gnomAD compares: Non-Finnish European, 0.028%; no homozygotes.

Submissions (3):

Blueprint Genetics
Classification: Likely benign. Last evaluated: 2024-08-05. Review status: criteria provided, single submitter. Criteria: ACMG Guidelines, 2015. Collection method: clinical testing. Allele origin: germline.

Labcorp Genetics (formerly Invitae), Labcorp
Classification: Uncertain significance. Last evaluated: 2024-05-01. Review status: criteria provided, single submitter. Criteria: Invitae Variant Classification Sherloc (09022015). Collection method: clinical testing. Allele origin: germline.
Comment: This sequence change replaces valine, which is neutral and non-polar, with isoleucine, which is neutral and non-polar, at codon 780 of the ADCY1 protein (p.Val780Ile). This variant is present in population databases (rs140746527, gnomAD 0.02%). This variant has not been reported in the literature in individuals affected with ADCY1-related conditions. ClinVar contains an entry for this variant (Variation ID: 667065). Advanced modeling of protein sequence and biophysical properties (such as structural, functional, and spatial information, amino acid conservation, physicochemical variation, residue mobility, and thermodynamic stability) performed at Invitae indicates that this missense variant is not expected to disrupt ADCY1 protein function with a negative predictive value of 80%. In summary, the available evidence is currently insufficient to determine the role of this variant in disease. Therefore, it has been classified as a Variant of Uncertain Significance.

Laboratory for Molecular Medicine, Mass General Brigham Personalized Medicine
Classification: Likely benign. Last evaluated: 2018-07-31. Review status: criteria provided, single submitter. Criteria: LMM Criteria. Collection method: clinical testing. Allele origin: germline. Observed: 1 variant allele.
Comment: This p.Val780Ile variant in ADCY1 is classified as likely benign due to a lack o f conservation across species, including mammals. Of note, 9 mammals have an Iso leucine at this position despite high nearby amino acid conservation. In additio n, computational prediction tools do not suggest a high likelihood of impact to the protein. It has also been identified in 22/125658 of European chromosomes by the Genome Aggregation Database (gnomAD). AC MG/AMP Criteria applied: BP4_Strong, PM2_Supporting.

NM_021116.4(ADCY1):c.2338G>A (p.Val780Ile)

Gene: ADCY1 (adenylate cyclase 1; plus strand). Cytogenetic location: 7p12.3.
Variant type: single nucleotide variant.
Coding change: c.2338G>A on transcript NM_021116.4 (MANE Select); coding-DNA position 2338, G replaced by A.
Protein change: p.Val780Ile; replaces valine 780 with isoleucine.
Molecular consequence: missense variant.
Genome position (GRCh38, 1-based): chr7:45,686,557, G>A. VCF-style: chr7-45686557-G-A. GRCh37 (hg19) VCF-style: chr7-45726156-G-A.
Other names: short protein forms V780I.
Identifiers: ClinVar variation 667065 (VCV000667065.8), dbSNP rs140746527, ClinGen allele CA4249221.